The following is an entry in ClinVar:

NM_194248.3(OTOF):c.2407-16_2407-5del

Gene: OTOF (otoferlin; minus strand). Cytogenetic location: 2p23.3.
Variant type: Deletion.
Coding change: c.2407-16_2407-5del on transcript NM_194248.3 (MANE Select); 16 bases into the intron before coding-DNA position 2407 through 5 bases into the intron before coding-DNA position 2407, 12 bases deleted (ACCCCCTCCTTC).
Molecular consequence: intron variant.
Genome position (GRCh38, 1-based): chr2:26,477,293-26,477,304, GAAGGAGGGGGT deleted on the plus strand (ACCCCCTCCTTC on the coding strand, the reverse complement: OTOF is on the minus strand); deleting any 12 consecutive bases within chr2:26,477,293-26,477,305 gives the same sequence; the c. name uses the placement nearest the transcript's 3' end. VCF-style (leftmost placement, unchanged base first): chr2-26477292-CGAAGGAGGGGGT-C. GRCh37 (hg19) VCF-style: chr2-26700160-CGAAGGAGGGGGT-C.
Other names: c.2407-16_2407-5del (NM_001287489.2); c.166-16_166-5del (NM_194323.3, NM_004802.4); c.337-16_337-5del (NM_194322.3).
Identifiers: ClinVar variation 2033184 (VCV002033184.1), dbSNP rs1366664265, ClinGen allele CA767285045.

ClinVar aggregate classification (germline): Uncertain significance (1 of 4 stars; one submission).

Submission:

Labcorp Genetics (formerly Invitae), Labcorp
Classification: Uncertain significance. Last evaluated: 2022-10-05. Review status: criteria provided, single submitter. Criteria: Invitae Variant Classification Sherloc (09022015). Collection method: clinical testing. Allele origin: germline.
Comment: This sequence change falls in intron 20 of the OTOF gene. It does not directly change the encoded amino acid sequence of the OTOF protein. This variant is not present in population databases (gnomAD no frequency). This variant has not been reported in the literature in individuals affected with OTOF-related conditions. Algorithms developed to predict the effect of sequence changes on RNA splicing suggest that this variant may disrupt the consensus splice site. In summary, the available evidence is currently insufficient to determine the role of this variant in disease. Therefore, it has been classified as a Variant of Uncertain Significance.